The following is an entry in ClinVar:

NM_024837.4(ATP8B4):c.1242T>C (p.Tyr414=)

Gene: ATP8B4 (ATPase phospholipid transporting 8B4 (putative); minus strand). Cytogenetic location: 15q21.2.
Variant type: single nucleotide variant.
Coding change: c.1242T>C on transcript NM_024837.4 (MANE Select); coding-DNA position 1242, T replaced by C.
Protein change: p.Tyr414=; no amino-acid change (tyrosine 414 retained).
Molecular consequence: synonymous variant. On other transcripts: non-coding transcript variant (3).
Genome position (GRCh38, 1-based): chr15:49,972,583, A>G on the plus strand (T>C on the coding strand, the complement: ATP8B4 is on the minus strand). VCF-style: chr15-49972583-A-G. GRCh37 (hg19) VCF-style: chr15-50264780-A-G.
Identifiers: ClinVar variation 3778005 (VCV003778005.7).

ClinVar aggregate classification (germline): Likely benign (1 of 4 stars; one submission).

gnomAD v4.1: 276 of 1,611,312 alleles (0.017%); highest among the groups gnomAD compares: South Asian, 0.18%; 2 homozygotes.

Submission:

CeGaT Center for Human Genetics Tuebingen
Classification: Likely benign. Last evaluated: 2025-03-01. Review status: criteria provided, single submitter. Criteria: CeGaT Center For Human Genetics Tuebingen Variant Classification Criteria Version 2. Collection method: clinical testing. Allele origin: germline. Affected: yes. Observed: 1 variant allele.
Comment: ATP8B4: BP4, BP7